The following is an entry in ClinVar:

NM_000095.3(COMP):c.492G>C (p.Gln164His)

Gene: COMP (cartilage oligomeric matrix protein; minus strand). Cytogenetic location: 19p13.11.
Variant type: single nucleotide variant.
Coding change: c.492G>C on transcript NM_000095.3 (MANE Select); coding-DNA position 492, G replaced by C.
Protein change: p.Gln164His; replaces glutamine 164 with histidine.
Molecular consequence: missense variant.
Genome position (GRCh38, 1-based): chr19:18,789,196, C>G on the plus strand (G>C on the coding strand, the complement: COMP is on the minus strand). VCF-style: chr19-18789196-C-G. GRCh37 (hg19) VCF-style: chr19-18900005-C-G.
Other names: short protein forms Q164H.
Identifiers: ClinVar variation 3615808 (VCV003615808.2).

ClinVar aggregate classification (germline): Uncertain significance (1 of 4 stars; one submission).

Submission:

Labcorp Genetics (formerly Invitae), Labcorp
Classification: Uncertain significance. Last evaluated: 2024-05-18. Review status: criteria provided, single submitter. Criteria: Invitae Variant Classification Sherloc (09022015). Collection method: clinical testing. Allele origin: germline.
Comment: This sequence change replaces glutamine, which is neutral and polar, with histidine, which is basic and polar, at codon 164 of the COMP protein (p.Gln164His). This variant is not present in population databases (gnomAD no frequency). This variant has not been reported in the literature in individuals affected with COMP-related conditions. Advanced modeling of protein sequence and biophysical properties (such as structural, functional, and spatial information, amino acid conservation, physicochemical variation, residue mobility, and thermodynamic stability) performed at Invitae indicates that this missense variant is not expected to disrupt COMP protein function with a negative predictive value of 80%. In summary, the available evidence is currently insufficient to determine the role of this variant in disease. Therefore, it has been classified as a Variant of Uncertain Significance.